The following continues an entry in ClinVar:

NM_000059.4(BRCA2):c.7024C>T (p.Gln2342Ter)

Gene: BRCA2. ClinVar aggregate classification (germline): Pathogenic. Pathogenic (1).

Submissions 11 to 19 of 19:

Human Genome Sequencing Center Clinical Lab, Baylor College of Medicine
Classification: Pathogenic for Familial breast-ovarian cancer 2. Last evaluated: 2018-10-12. Review status: criteria provided, single submitter. Criteria: ACMG Guidelines, 2015. Collection method: clinical testing. Allele origin: germline. Not counted in ClinVar's aggregate classification.
Comment: This rare nonsense variant c.7024C>T, (p.Gln2342Ter) in the BRCA2 gene is rare in public databases (seen once in Gnomad) and is predicted to result in a loss of function of BRCA2. Loss of function variants in BRCA1 are known to be pathogenic for breast cancer. This variant has been observed in multiple unrelated individuals with breast and other cancers (PMID 11836363, 12491487, 19787003). Family history was consistent with mode of iheritance of breast cancer in one family (PMID 19787003). Based upon the above evidence, this c.7024C>T, (p.Gln2342*) variant in BRCA2 is classified as pathogenic.

HudsonAlpha Institute for Biotechnology
Classification: Likely pathogenic for Breast-ovarian cancer, familial, susceptibility to, 2. Last evaluated: 2018-01-23. Review status: criteria provided, single submitter. Criteria: ACMG Guidelines, 2015. Collection method: research. Allele origin: unknown. Observed: 1 variant allele. Study: AGHI-GT-HudsonAlpha. Not counted in ClinVar's aggregate classification.

Consortium of Investigators of Modifiers of BRCA1/2 (CIMBA), c/o University of Cambridge
Classification: Pathogenic for Breast-ovarian cancer, familial, susceptibility to, 2. Last evaluated: 2015-10-02. Review status: criteria provided, single submitter. Criteria: CIMBA Mutation Classification guidelines May 2016. Collection method: clinical testing. Allele origin: germline. Not counted in ClinVar's aggregate classification.

Department of Medical Genetics, Oslo University Hospital
Classification: Pathogenic for Breast-ovarian cancer, familial, susceptibility to, 2. Last evaluated: 2015-07-01. Review status: criteria provided, single submitter. Criteria: ACMG Guidelines, 2015. Collection method: clinical testing. Allele origin: germline. Affected: yes. Observed: 1 variant allele. Not counted in ClinVar's aggregate classification.

Gharavi Laboratory, Columbia University
Classification: Pathogenic. Last evaluated: 2018-09-16. Review status: no assertion criteria provided. Criteria: ACMG Guidelines, 2015. Collection method: research. Allele origin: germline. Affected: yes. Not counted in ClinVar's aggregate classification.

Counsyl
Classification: Pathogenic for Breast-ovarian cancer, familial, susceptibility to, 2. Last evaluated: 2017-11-08. Review status: no assertion criteria provided. Collection method: clinical testing. Allele origin: unknown. Not counted in ClinVar's aggregate classification.

Research Molecular Genetics Laboratory, Women's College Hospital, University of Toronto
Classification: Pathogenic for Hereditary breast ovarian cancer syndrome. Last evaluated: 2014-01-31. Review status: no assertion criteria provided. Collection method: research. Allele origin: germline. Affected: yes. Study: The Canadian Open Genetics Repository (COGR). Not counted in ClinVar's aggregate classification.

Sharing Clinical Reports Project (SCRP)
Classification: Pathogenic for Breast-ovarian cancer, familial 2. Last evaluated: 2013-11-07. Review status: no assertion criteria provided. Collection method: clinical testing. Allele origin: germline. Not counted in ClinVar's aggregate classification.

Breast Cancer Information Core (BIC) (BRCA2)
Classification: Pathogenic for Breast-ovarian cancer, familial 2. Last evaluated: 2004-02-20. Review status: no assertion criteria provided. Collection method: clinical testing. Allele origin: germline. Affected: yes. Observed: 3 variant alleles. Not counted in ClinVar's aggregate classification.

Literature cited by the submitters: PubMed 19787003 (cited by 8 submitters); PubMed 21470549 (cited by 4 submitters); PubMed 25452441 (cited by 7 submitters); PubMed 28637432 (cited by 8 submitters); PubMed 28664449 (cited by Ambry Genetics and Quest Diagnostics Nichols Institute San Juan Capistrano); PubMed 29446198 (cited by Ambry Genetics and Quest Diagnostics Nichols Institute San Juan Capistrano); PubMed 31368036 (cited by 3 submitters); PubMed 32832836 (cited by Ambry Genetics); PubMed 34645131 (cited by 3 submitters); PubMed 20104584 (cited by Labcorp Genetics (formerly Invitae), Labcorp); PubMed 12491487 (cited by 3 submitters); PubMed 32906206 (cited by Quest Diagnostics Nichols Institute San Juan Capistrano); PubMed 33758026 (cited by Quest Diagnostics Nichols Institute San Juan Capistrano); PubMed 29339979 (cited by Quest Diagnostics Nichols Institute San Juan Capistrano); PubMed 36446039 (cited by Quest Diagnostics Nichols Institute San Juan Capistrano); PubMed 31825140 (cited by Quest Diagnostics Nichols Institute San Juan Capistrano); PubMed 11836363 (cited by Quest Diagnostics Nichols Institute San Juan Capistrano); PubMed 25525159 (cited by Counsyl).